The following is an entry in ClinVar:

ClinVar aggregate classification (germline): Uncertain significance (1 of 4 stars; one submission).

Conditions:
CPE-related disorder. Also called: CPE-related condition.

gnomAD v4.1: 20 of 1,613,800 alleles (0.0012%); highest among the groups gnomAD compares: South Asian, 0.0099%; no homozygotes.

Submission:

PreventionGenetics, part of Exact Sciences
Classification: Uncertain significance for CPE-related condition. Last evaluated: 2025-12-23. Review status: criteria provided, single submitter. Criteria: ACMG Guidelines, 2015. Collection method: clinical testing. Allele origin: germline.
Comment: The CPE c.826G>A variant is predicted to result in the amino acid substitution p.Ala276Thr. To our knowledge, this variant has not been reported in the literature. This variant is reported in 0.0065% of alleles in individuals of South Asian descent in gnomAD. At this time, the clinical significance of this variant is uncertain due to the absence of conclusive functional and genetic evidence.

NM_001873.4(CPE):c.826G>A (p.Ala276Thr)

Gene: CPE (carboxypeptidase E; plus strand). Cytogenetic location: 4q32.3.
Variant type: single nucleotide variant.
Coding change: c.826G>A on transcript NM_001873.4 (MANE Select); coding-DNA position 826, G replaced by A.
Protein change: p.Ala276Thr; replaces alanine 276 with threonine.
Molecular consequence: missense variant.
Genome position (GRCh38, 1-based): chr4:165,484,457, G>A. VCF-style: chr4-165484457-G-A. GRCh37 (hg19) VCF-style: chr4-166405609-G-A.
Other names: short protein forms A276T.
Identifiers: ClinVar variation 4982369 (VCV004982369.1).